The following is an entry in ClinVar:

ClinVar aggregate classification (germline): Uncertain significance. Review status: criteria provided, multiple submitters, no conflicts (2 of 4 stars). 2 submissions from 2 submitters: Uncertain significance (2). Last evaluated 2025-01-24.

Conditions:
Inborn genetic diseases. Identifiers: MedGen C0950123, MeSH D030342.

Allele frequency attached by ClinVar (database versions not stated): gnomAD 0.00001; gnomAD exomes 0.00002.
gnomAD v4.1: 24 of 1,545,214 alleles (0.0016%); highest among the groups gnomAD compares: Non-Finnish European, 0.0019%; no homozygotes.

Submissions (2):

Ambry Genetics
Classification: Uncertain significance for Inborn genetic diseases. Last evaluated: 2025-01-24. Review status: criteria provided, single submitter. Criteria: Ambry Variant Classification Scheme 2023. Collection method: clinical testing. Allele origin: germline.

CeGaT Center for Human Genetics Tuebingen
Classification: Uncertain significance. Last evaluated: 2024-05-01. Review status: criteria provided, single submitter. Criteria: CeGaT Center For Human Genetics Tuebingen Variant Classification Criteria Version 2. Collection method: clinical testing. Allele origin: germline. Affected: yes. Observed: 1 variant allele.
Comment: WDR81: PM2, BP4

NM_001163809.2(WDR81):c.638C>A (p.Pro213His)

Gene: WDR81 (WD repeat domain 81; plus strand). Cytogenetic location: 17p13.3.
Variant type: single nucleotide variant.
Coding change: c.638C>A on transcript NM_001163809.2 (MANE Select); coding-DNA position 638, C replaced by A.
Protein change: p.Pro213His; replaces proline 213 with histidine.
Molecular consequence: missense variant. On other transcripts: intron variant (3).
Genome position (GRCh38, 1-based): chr17:1,725,597, C>A. VCF-style: chr17-1725597-C-A. GRCh37 (hg19) VCF-style: chr17-1628891-C-A.
Other names: c.-123-2393C>A (NM_152348.4); c.59-4783C>A (NM_001163673.2); c.-15+811C>A (NM_001163811.2); c.638C>A (NM_001163809.1); short protein forms P213H.
Identifiers: ClinVar variation 3239176 (VCV003239176.20), dbSNP rs1005878987.